The following is an entry in ClinVar:

NM_001292063.2(OTOG):c.2036T>C (p.Val679Ala)

Gene: OTOG (otogelin; plus strand). Cytogenetic location: 11p15.1.
Variant type: single nucleotide variant.
Coding change: c.2036T>C on transcript NM_001292063.2 (MANE Select); coding-DNA position 2036, T replaced by C.
Protein change: p.Val679Ala; replaces valine 679 with alanine.
Molecular consequence: missense variant.
Genome position (GRCh38, 1-based): chr11:17,572,160, T>C. VCF-style: chr11-17572160-T-C. GRCh37 (hg19) VCF-style: chr11-17593707-T-C.
Other names: c.2072T>C, p.Val691Ala (NM_001277269.2); short protein forms V679A, V691A.
Identifiers: ClinVar variation 1321606 (VCV001321606.7), dbSNP rs1182616691, ClinGen allele CA379769014.

ClinVar aggregate classification (germline): Uncertain significance. Review status: criteria provided, multiple submitters, no conflicts (2 of 4 stars). 2 submissions from 2 submitters: Uncertain significance (2). Last evaluated 2024-09-16.

Allele frequency attached by ClinVar (database versions not stated): gnomAD exomes 0.00001; TOPMed 0.00002; gnomAD 0.00003.

Submissions (2):

Labcorp Genetics (formerly Invitae), Labcorp
Classification: Uncertain significance. Last evaluated: 2024-09-16. Review status: criteria provided, single submitter. Criteria: Invitae Variant Classification Sherloc (09022015). Collection method: clinical testing. Allele origin: germline.
Comment: This sequence change replaces valine, which is neutral and non-polar, with alanine, which is neutral and non-polar, at codon 691 of the OTOG protein (p.Val691Ala). The frequency data for this variant in the population databases is considered unreliable, as metrics indicate poor data quality at this position in the gnomAD database. This variant has not been reported in the literature in individuals affected with OTOG-related conditions. ClinVar contains an entry for this variant (Variation ID: 1321606). An algorithm developed to predict the effect of missense changes on protein structure and function outputs the following: PolyPhen-2: "Benign". The alanine amino acid residue is found in multiple mammalian species, which suggests that this missense change does not adversely affect protein function. In summary, the available evidence is currently insufficient to determine the role of this variant in disease. Therefore, it has been classified as a Variant of Uncertain Significance.

GeneDx
Classification: Uncertain significance. Last evaluated: 2023-11-03. Review status: criteria provided, single submitter. Criteria: GeneDx Variant Classification Process June 2021. Collection method: clinical testing. Allele origin: germline. Affected: yes.
Comment: Not observed at a significant frequency in large population cohorts (gnomAD); In silico analysis supports that this missense variant does not alter protein structure/function; Has not been previously published as pathogenic or benign to our knowledge